The following is an entry in ClinVar:

ClinVar aggregate classification (germline): Pathogenic/Likely pathogenic. Review status: criteria provided, multiple submitters, no conflicts (2 of 4 stars). 2 submissions from 2 submitters: Pathogenic (1); Likely pathogenic (1). Last evaluated 2026-05-12.

Conditions:
Intellectual developmental disorder, autosomal recessive 3. Also called: Intellectual disability, autosomal recessive 3. Identifiers: Orphanet 88616, MedGen C1838023, MONDO:0012037, OMIM 608443.

Submissions (2):

GeneDx
Classification: Likely pathogenic. Last evaluated: 2026-05-12. Review status: criteria provided, single submitter. Criteria: GeneDx Variant Classification Process June 2021. Collection method: clinical testing. Allele origin: germline.
Comment: Frameshift variant predicted to result in abnormal protein length as the last 54 amino acid(s) are replaced with 44 different amino acid(s); Not observed at significant frequency in large population cohorts (gnomAD); This variant is associated with the following publications: (PMID: 28097321, 39168639)

Institute of Human Genetics, University of Leipzig Medical Center
Classification: Pathogenic for Intellectual developmental disorder, autosomal recessive 3. Last evaluated: 2020-03-01. Review status: criteria provided, single submitter. Criteria: ACMG Guidelines, 2015. Collection method: clinical testing. Allele origin: biparental. Inheritance: Autosomal recessive inheritance. Affected: yes.
Comment: Review of the variants reported in Reuter et al., 2017, PMID: 28097321: PVS1,PM2,PM3

NM_017721.5(CC2D1A):c.2693del (p.Gly898fs)

Gene: CC2D1A (coiled-coil and C2 domain containing 1A; plus strand). Cytogenetic location: 19p13.12.
Variant type: Deletion.
Coding change: c.2693del on transcript NM_017721.5 (MANE Select); coding-DNA position 2693, one base deleted (G; older notation c.2693delG).
Protein change: p.Gly898fs; shifts the reading frame from glycine 898.
Molecular consequence: frameshift variant.
Genome position (GRCh38, 1-based): chr19:13,929,643, G deleted; the last of 6 consecutive G bases (chr19:13,929,638-13,929,643); deleting any one gives the same sequence. VCF-style (leftmost placement, unchanged base first): chr19-13929637-AG-A. GRCh37 (hg19) VCF-style: chr19-14040450-AG-A.
Other names: short protein forms G898fs.
Identifiers: ClinVar variation 984700 (VCV000984700.3), dbSNP rs1423002835, ClinGen allele CA632124070.